The following is an entry in ClinVar:

NM_024411.5(PDYN):c.149A>G (p.Gln50Arg)

Genes: PDYN (prodynorphin; minus strand), PDYN-AS1 (PDYN antisense RNA 1; plus strand). Cytogenetic location: 20p13.
Variant type: single nucleotide variant.
Coding change: c.149A>G on transcript NM_024411.5 (MANE Select); coding-DNA position 149, A replaced by G.
Protein change: p.Gln50Arg; replaces glutamine 50 with arginine.
Molecular consequence: missense variant.
Genome position (GRCh38, 1-based): chr20:1,980,939, T>C on the plus strand (A>G on the coding strand, the complement: PDYN is on the minus strand). VCF-style: chr20-1980939-T-C. GRCh37 (hg19) VCF-style: chr20-1961585-T-C.
Other names: c.149A>G, p.Gln50Arg (NM_001190892.1, NM_001190898.3, NM_001190899.2 and 1 more transcripts); short protein forms Q50R.
Identifiers: ClinVar variation 2684288 (VCV002684288.1), dbSNP rs199609910, ClinGen allele CA9730348.
Genomic context (GRCh38, chr20:1,980,939, plus strand): 5'-GTGAAAAAAGACAGAAAGCTCTGGCATCTCTCCCATTCCTCAGAGGGCAGCAGGGCAGCC[T>C]GGCATTGCAGGGAGCAAATCTGCAAAAGACCCAAAAAGACCACAGTGGCAAATGATCAAA-3'
Protein context (NP_077722.1, residues 40-60): INPLICSLQC[Gln50Arg]AALLPSEEWE

ClinVar aggregate classification (germline): Uncertain significance (1 of 4 stars; one submission).

Allele frequency attached by ClinVar (database versions not stated): gnomAD 0.00002; gnomAD exomes 0.00002; ExAC 0.00003; TOPMed 0.00003; 1000 Genomes Project 30x 0.00016; 1000 Genomes Project 0.00020.
gnomAD v4.1: 34 of 1,614,134 alleles (0.0021%); highest among the groups gnomAD compares: Non-Finnish European, 0.0028%; no homozygotes.

Submission:

Athena Diagnostics
Classification: Uncertain significance. Last evaluated: 2023-01-11. Review status: criteria provided, single submitter. Criteria: Athena Diagnostics Criteria. Collection method: clinical testing. Allele origin: unknown.
Comment: Available data are insufficient to determine the clinical significance of the variant at this time. The frequency of this variant in the general population is uninformative in assessment of its pathogenicity. Computational tools disagree on the variant's effect on normal protein function.